The following is an entry in ClinVar:

NM_005787.6(ALG3):c.108G>A (p.Leu36=)

Gene: ALG3 (ALG3 alpha-1,3- mannosyltransferase; minus strand). Cytogenetic location: 3q27.1.
Variant type: single nucleotide variant.
Coding change: c.108G>A on transcript NM_005787.6 (MANE Select); coding-DNA position 108, G replaced by A.
Protein change: p.Leu36=; no amino-acid change (leucine 36 retained).
Molecular consequence: synonymous variant. On other transcripts: non-coding transcript variant (2), intron variant (1).
Genome position (GRCh38, 1-based): chr3:184,248,833, C>T on the plus strand (G>A on the coding strand, the complement: ALG3 is on the minus strand). VCF-style: chr3-184248833-C-T. GRCh37 (hg19) VCF-style: chr3-183966621-C-T.
Other names: c.52+393G>A (NM_001006941.2).
Identifiers: ClinVar variation 382476 (VCV000382476.1), dbSNP rs1052454056, ClinGen allele CA16604843.

ClinVar aggregate classification (germline): Likely benign (1 of 4 stars; one submission).

Allele frequency attached by ClinVar (database versions not stated): gnomAD 0.00001; TOPMed 0.00001.
gnomAD v4.1: 15 of 1,608,420 alleles (0.00093%); highest among the groups gnomAD compares: Non-Finnish European, 0.0012%; no homozygotes.

Submission:

GeneDx
Classification: Likely benign. Last evaluated: 2016-02-11. Review status: criteria provided, single submitter. Criteria: GeneDx Variant Classification (06012015). Collection method: clinical testing. Allele origin: germline. Affected: yes.
Comment: This variant is considered likely benign or benign based on one or more of the following criteria: it is a conservative change, it occurs at a poorly conserved position in the protein, it is predicted to be benign by multiple in silico algorithms, and/or has population frequency not consistent with disease.